The following is an entry in ClinVar:

ClinVar aggregate classification (germline): Conflicting classifications of pathogenicity. Review status: criteria provided, conflicting classifications (1 of 4 stars). 10 submissions from 9 submitters: Uncertain significance (1); Benign (3); Likely benign (6). Last evaluated 2026-08-01.

Conditions:
Hereditary cancer-predisposing syndrome. Also called: Tumor predisposition; Neoplastic Syndromes, Hereditary; Hereditary neoplastic syndrome; Hereditary Cancer Syndrome. Identifiers: Orphanet 140162, MedGen C0027672, MeSH D009386, MONDO:0015356.
Birt-Hogg-Dube syndrome 1 (BHD1). Also called: FIBROFOLLICULOMAS WITH TRICHODISCOMAS AND ACROCHORDONS. Identifiers: Orphanet 122, MedGen CN375946, MONDO:0800445, OMIM 135150.
Birt-Hogg-Dube syndrome. Also called: Birt Hogg Dubé syndrome. Identifiers: Orphanet 122, MedGen C0346010, MONDO:0800444.
Familial spontaneous pneumothorax (PSP). Identifiers: Orphanet 2903, MedGen C1868193, MONDO:0008259, OMIM 173600.

Allele frequency attached by ClinVar (database versions not stated): gnomAD 0.00014 and 0.00017; ESP Exome Variant Server 0.00015; gnomAD exomes 0.00017; TOPMed 0.00019; ExAC 0.00020.
gnomAD v4.1: 196 of 1,613,622 alleles (0.012%); highest among the groups gnomAD compares: Middle Eastern, 0.48%; no homozygotes.

Submissions (10):

CeGaT Center for Human Genetics Tuebingen
Classification: Likely benign. Last evaluated: 2026-08-01. Review status: criteria provided, single submitter. Criteria: CeGaT Center For Human Genetics Tuebingen Variant Classification Criteria Version 2. Collection method: clinical testing. Allele origin: germline. Affected: yes. Observed: 4 variant alleles.
Comment: FLCN: BP4, BP7

Labcorp Genetics (formerly Invitae), Labcorp
Classification: Benign for Birt-Hogg-Dube syndrome. Last evaluated: 2026-02-01. Review status: criteria provided, single submitter. Criteria: Invitae Variant Classification Sherloc (09022015). Collection method: clinical testing. Allele origin: germline.

Center for Genomic Medicine, Rigshospitalet, Copenhagen University Hospital
Classification: Likely benign. Last evaluated: 2025-03-04. Review status: criteria provided, single submitter. Criteria: ACMG Guidelines, 2015. Collection method: clinical testing. Allele origin: germline.

Blueprint Genetics
Classification: Likely benign. Last evaluated: 2024-11-20. Review status: criteria provided, single submitter. Criteria: ACMG Guidelines, 2015. Collection method: clinical testing. Allele origin: germline.

Myriad Genetics, Inc.
Classification: Benign for Birt-Hogg-Dube syndrome 1. Last evaluated: 2024-10-24. Review status: criteria provided, single submitter. Criteria: Myriad Autosomal Dominant, Autosomal Recessive and X-Linked Classification Criteria (2023). Collection method: clinical testing. Allele origin: unknown.
Comment: This variant is considered benign. This variant is a silent/synonymous amino acid change and it is not expected to impact splicing.

Sema4
Classification: Likely benign for Hereditary cancer-predisposing syndrome. Last evaluated: 2021-11-06. Review status: criteria provided, single submitter. Criteria: Sema4 Curation Guidelines. Collection method: curation. Allele origin: germline.

GeneDx
Classification: Likely benign. Last evaluated: 2021-03-04. Review status: criteria provided, single submitter. Criteria: GeneDx Variant Classification Process June 2021. Collection method: clinical testing. Allele origin: germline. Affected: yes.

Illumina Laboratory Services, Illumina
Classification: Uncertain significance for Familial spontaneous pneumothorax. Last evaluated: 2018-01-13. Review status: criteria provided, single submitter. Criteria: ICSL Variant Classification Criteria 13 December 2019. Collection method: clinical testing. Allele origin: germline.

Illumina Laboratory Services, Illumina
Classification: Benign for Birt-Hogg-Dube syndrome 1. Last evaluated: 2018-01-13. Review status: criteria provided, single submitter. Criteria: ICSL Variant Classification Criteria 13 December 2019. Collection method: clinical testing. Allele origin: germline.
Comment: This variant was observed in the ICSL laboratory as part of a predisposition screen in an ostensibly healthy population. It had not been previously curated by ICSL or reported in the Human Gene Mutation Database (HGMD: prior to June 1st, 2018), and was therefore a candidate for classification through an automated scoring system. Utilizing variant allele frequency, disease prevalence and penetrance estimates, and inheritance mode, an automated score was calculated to assess if this variant is too frequent to cause the disease. Based on the score and internal cut-off values, a variant classified as benign is not then subjected to further curation. The score for this variant resulted in a classification of benign for this disease.

Ambry Genetics
Classification: Likely benign for Hereditary cancer-predisposing syndrome. Last evaluated: 2015-02-26. Review status: criteria provided, single submitter. Criteria: Ambry Variant Classification Scheme 2023. Collection method: clinical testing. Allele origin: germline.

NM_144997.7(FLCN):c.1281C>G (p.Pro427=)

Gene: FLCN (folliculin; minus strand). Cytogenetic location: 17p11.2.
Variant type: single nucleotide variant.
Coding change: c.1281C>G on transcript NM_144997.7 (MANE Select); coding-DNA position 1281, C replaced by G.
Protein change: p.Pro427=; no amino-acid change (proline 427 retained).
Molecular consequence: synonymous variant.
Genome position (GRCh38, 1-based): chr17:17,216,399, G>C on the plus strand (C>G on the coding strand, the complement: FLCN is on the minus strand). VCF-style: chr17-17216399-G-C. GRCh37 (hg19) VCF-style: chr17-17119713-G-C.
Other names: c.1281C>G (LRG_325t1); c.1335C>G, p.Pro445= (NM_001353229.2); c.1281C>G, p.Pro427= (NM_001353230.2, NM_001353231.2).
Identifiers: ClinVar variation 322064 (VCV000322064.62), dbSNP rs372207262, ClinGen allele CA8416077.